The following is an entry in ClinVar:

ClinVar aggregate classification (germline): Likely pathogenic (1 of 4 stars; one submission).

Conditions:
Polycystic kidney disease, adult type (PKD1). Also called: POLYCYSTIC KIDNEY DISEASE, ADULT, TYPE I; Polycystic Kidney Disease 1, Autosomal Dominant; Polycystic kidney disease 1; Polycystic kidney disease 1, severe; Polycystic Kidney, Autosomal Dominant; POLYCYSTIC KIDNEY DISEASE 1 WITH OR WITHOUT POLYCYSTIC LIVER DISEASE. Identifiers: MedGen C3149841, MONDO:0008263, OMIM 173900.

Submission:

Victorian Clinical Genetics Services, Murdoch Childrens Research Institute
Classification: Likely pathogenic for Polycystic kidney disease, adult type. Last evaluated: 2024-10-08. Review status: criteria provided, single submitter. Criteria: ACMG Guidelines, 2015. Collection method: clinical testing. Allele origin: germline. Inheritance: Autosomal dominant inheritance. Affected: yes.
Comment: Based on the classification scheme VCGS_Germline_v1.3.4, this variant is classified as Likely Pathogenic. Following criteria are met: 0102 - Loss of function is a known mechanism of disease in this gene and is associated with polycystic kidney disease 1 (MIM#173900). (I) 0107 - This gene is associated with autosomal dominant disease. Polycystic kidney disease 1 (MIM#173900) is predominantly caused by monoallelic variants, with rare reports of biallelic variants causing disease (OMIM). (I) 0208 - Variant is predicted to result in an elongated protein. (SP) 0251 - This variant is heterozygous. (I) 0301 - Variant is absent from gnomAD (both v2 and v3). (SP) 0604 - Variant does not affect an established domain, motif, hotspot or informative constraint region. (I) 0702 - Other extension variants comparable to the one identified in this case have strong previous evidence for pathogenicity. Multiple downstream extension variants have been observed in individuals with autosomal dominant polycystic kidney disease (PMIDs: 18640754, 29529603, 16430766, 24611717). (SP) 0807 - This variant has no previous evidence of pathogenicity. (I) 0905 - No published segregation evidence has been identified for this variant. (I) 1007 - No published functional evidence has been identified for this variant. (I) 1208 - Inheritance information for this variant is not currently available in this individual. (I) Legend: (SP) - Supporting pathogenic, (I) - Information, (SB) - Supporting benign

Literature cited by the submitters: PubMed 16430766; PubMed 18640754; PubMed 24611717; PubMed 29529603.

NM_001009944.3(PKD1):c.12728_12756del (p.Leu4243fs)

Gene: PKD1 (polycystin 1, transient receptor potential channel interacting; minus strand). Cytogenetic location: 16p13.3.
Variant type: Deletion.
Coding change: c.12728_12756del on transcript NM_001009944.3 (MANE Select); coding-DNA positions 12728 to 12756, 29 bases deleted (TGCACAGCCTGCAAGGCCGCAGGAGCAGC).
Protein change: p.Leu4243fs; shifts the reading frame from leucine 4243.
Molecular consequence: frameshift variant.
Genome position (GRCh38, 1-based): chr16:2,089,883-2,089,911, GCTGCTCCTGCGGCCTTGCAGGCTGTGCA deleted on the plus strand (TGCACAGCCTGCAAGGCCGCAGGAGCAGC on the coding strand, the reverse complement: PKD1 is on the minus strand); deleting any 29 consecutive bases within chr16:2,089,883-2,089,917 gives the same sequence; the c. name uses the placement nearest the transcript's 3' end. VCF-style (leftmost placement, unchanged base first): chr16-2089882-GGCTGCTCCTGCGGCCTTGCAGGCTGTGCA-G. GRCh37 (hg19) VCF-style: chr16-2139883-GGCTGCTCCTGCGGCCTTGCAGGCTGTGCA-G.
Other names: c.12722_12750del29, p.Leu4243Profs (NM_001009944.2); c.12725_12753del, p.Leu4242fs (NM_000296.4); short protein forms L4242fs, L4243fs.
Identifiers: ClinVar variation 3376930 (VCV003376930.1).
Genomic context (GRCh38, chr16:2,089,882, plus strand): 5'-GGCTGGGCAGTGCTGGCCGCAGGCCCGGGGATGGGCCACGGGAAGATCCGGCGGGCGCCC[GGCTGCTCCTGCGGCCTTGCAGGCTGTGCA>G]GCTGCTGCTCCAGCTGGTAGACGTCCTCTGTGGCCTGGTTGAGTCGGTCAAACTGGGTGA-3'